The following is an entry in ClinVar:

NM_182919.4(TICAM1):c.1153T>C (p.Ser385Pro)

Gene: TICAM1 (TIR domain containing adaptor molecule 1; minus strand). Cytogenetic location: 19p13.3.
Variant type: single nucleotide variant.
Coding change: c.1153T>C on transcript NM_182919.4 (MANE Select); coding-DNA position 1153, T replaced by C.
Protein change: p.Ser385Pro; replaces serine 385 with proline.
Molecular consequence: missense variant.
Genome position (GRCh38, 1-based): chr19:4,817,225, A>G on the plus strand (T>C on the coding strand, the complement: TICAM1 is on the minus strand). VCF-style: chr19-4817225-A-G. GRCh37 (hg19) VCF-style: chr19-4817237-A-G.
Other names: c.1111T>C, p.Ser371Pro (NM_001385678.1); c.1018T>C, p.Ser340Pro (NM_001385679.1); c.511T>C, p.Ser171Pro (NM_001385680.1); short protein forms S171P, S340P, S371P, S385P.
Identifiers: ClinVar variation 1017601 (VCV001017601.9), dbSNP rs2093587726, ClinGen allele CA403490881.

ClinVar aggregate classification (germline): Uncertain significance (1 of 4 stars; one submission).

Conditions:
Encephalopathy, acute, infection-induced (herpes-specific), susceptibility to, 6. Also called: Herpes simplex encephalitis, susceptibility to, 4. Identifiers: Orphanet 1930, MedGen C3553869, MONDO:0013921, OMIM 614850.

Allele frequency attached by ClinVar (database versions not stated): gnomAD exomes below 0.00001.

Submission:

Labcorp Genetics (formerly Invitae), Labcorp
Classification: Uncertain significance for Encephalopathy, acute, infection-induced (herpes-specific), susceptibility to, 6. Last evaluated: 2020-06-10. Review status: criteria provided, single submitter. Criteria: Invitae Variant Classification Sherloc (09022015). Collection method: clinical testing. Allele origin: germline.
Comment: This sequence change replaces serine with proline at codon 385 of the TICAM1 protein (p.Ser385Pro). The serine residue is moderately conserved and there is a moderate physicochemical difference between serine and proline. This variant is not present in population databases (ExAC no frequency). This variant has not been reported in the literature in individuals with TICAM1-related conditions. Algorithms developed to predict the effect of missense changes on protein structure and function output the following: SIFT: "Tolerated"; PolyPhen-2: "Benign"; Align-GVGD: "Class C0". The proline amino acid residue is found in multiple mammalian species, suggesting that this missense change does not adversely affect protein function. These predictions have not been confirmed by published functional studies and their clinical significance is uncertain. In summary, the available evidence is currently insufficient to determine the role of this variant in disease. Therefore, it has been classified as a Variant of Uncertain Significance.